The following is an entry in ClinVar:

NM_001127208.3(TET2):c.3222_3223insA (p.Asp1075fs)

Genes: TET2 (tet methylcytosine dioxygenase 2; plus strand), TET2-AS1 (TET2 antisense RNA 1; minus strand). Cytogenetic location: 4q24.
Variant type: Insertion.
Coding change: c.3222_3223insA on transcript NM_001127208.3 (MANE Select); coding-DNA positions 3222 to 3223, A inserted.
Protein change: p.Asp1075fs; shifts the reading frame from aspartic acid 1075.
Molecular consequence: frameshift variant.
Genome position: GRCh38 VCF-style: chr4-105237164-T-TA. GRCh37 (hg19) VCF-style: chr4-106158321-T-TA.
Other names: c.3222_3223insA, p.Asp1075fs (NM_017628.4); short protein forms D1075fs.
Identifiers: ClinVar variation 4735361 (VCV004735361.1).
Genomic context (GRCh38, chr4:105,237,164, plus strand): 5'-AAAAGTTGAAATGTCAGGGCCAGTCACAGTTTTGACTAGACAAACCACTGCTGCAGAACT[T>TA]GATAGCCACACCCCAGCTTTAGAGCAGCAAACAACTTCTTCAGAAAAGACACCAACCAAA-3'

ClinVar aggregate classification (germline): Pathogenic (1 of 4 stars; one submission).

Submission:

Labcorp Genetics (formerly Invitae), Labcorp
Classification: Pathogenic. Last evaluated: 2026-01-13. Review status: criteria provided, single submitter. Criteria: Invitae Variant Classification Sherloc (09022015). Collection method: clinical testing. Allele origin: germline.
Comment: This sequence change creates a premature translational stop signal (p.Asp1075Argfs*2) in the TET2 gene. It is expected to result in an absent or disrupted protein product. Loss-of-function variants in TET2 are known to be pathogenic (PMID: 36066697). This variant is not present in population databases (gnomAD no frequency). This variant has not been reported in the literature in individuals affected with TET2-related conditions. Algorithms developed to predict the effect of sequence changes on RNA splicing suggest that this variant may disrupt the consensus splice site. For these reasons, this variant has been classified as Pathogenic.

Literature cited by the submitters: PubMed 36066697.